The following is an entry in ClinVar:

NM_021930.6(RINT1):c.1783A>G (p.Met595Val)

Gene: RINT1 (RAD50 interactor 1; plus strand). Cytogenetic location: 7q22.3.
Variant type: single nucleotide variant.
Coding change: c.1783A>G on transcript NM_021930.6 (MANE Select); coding-DNA position 1783, A replaced by G.
Protein change: p.Met595Val; replaces methionine 595 with valine.
Molecular consequence: missense variant. On other transcripts: non-coding transcript variant (1).
Genome position (GRCh38, 1-based): chr7:105,563,844, A>G. VCF-style: chr7-105563844-A-G. GRCh37 (hg19) VCF-style: chr7-105204291-A-G.
Other names: c.1549A>G, p.Met517Val (NM_001346599.2); c.760A>G, p.Met254Val (NM_001346600.2, NM_001346603.2); c.859A>G, p.Met287Val (NM_001346601.2); short protein forms M595V, M287V, M254V, M517V.
Identifiers: ClinVar variation 4578213 (VCV004578213.1).

ClinVar aggregate classification (germline): Uncertain significance (1 of 4 stars; one submission).

Submission:

Ambry Genetics
Classification: Uncertain significance. Last evaluated: 2025-10-08. Review status: criteria provided, single submitter. Criteria: Ambry Variant Classification Scheme 2023. Collection method: clinical testing. Allele origin: germline.
Comment: The p.M595V variant (also known as c.1783A>G), located in coding exon 12 of the RINT1 gene, results from an A to G substitution at nucleotide position 1783. The methionine at codon 595 is replaced by valine, an amino acid with highly similar properties. This amino acid position is conserved. In addition, this alteration is predicted to be tolerated by in silico analysis. Based on the available evidence, the clinical significance of this variant remains unclear.